The following is an entry in ClinVar:

ClinVar aggregate classification (germline): Uncertain significance (1 of 4 stars; one submission).

Allele frequency attached by ClinVar (database versions not stated): gnomAD exomes below 0.00001.
gnomAD v4.1: 4 of 1,610,784 alleles (0.00025%); highest among the groups gnomAD compares: African/African-American, 0.0027%; no homozygotes.

Submission:

Labcorp Genetics (formerly Invitae), Labcorp
Classification: Uncertain significance. Last evaluated: 2021-08-26. Review status: criteria provided, single submitter. Criteria: Invitae Variant Classification Sherloc (09022015). Collection method: clinical testing. Allele origin: germline.
Comment: This sequence change replaces aspartic acid with glycine at codon 672 of the MPDZ protein (p.Asp672Gly). The aspartic acid residue is highly conserved and there is a moderate physicochemical difference between aspartic acid and glycine. This variant is not present in population databases (ExAC no frequency). This variant has not been reported in the literature in individuals affected with MPDZ-related conditions. Algorithms developed to predict the effect of missense changes on protein structure and function are either unavailable or do not agree on the potential impact of this missense change (SIFT: "Deleterious"; PolyPhen-2: "Benign"; Align-GVGD: "Class C15"). In summary, the available evidence is currently insufficient to determine the role of this variant in disease. Therefore, it has been classified as a Variant of Uncertain Significance.

NM_001378778.1(MPDZ):c.2015A>G (p.Asp672Gly)

Gene: MPDZ (multiple PDZ domain crumbs cell polarity complex component; minus strand). Cytogenetic location: 9p23.
Variant type: single nucleotide variant.
Coding change: c.2015A>G on transcript NM_001378778.1 (MANE Select); coding-DNA position 2015, A replaced by G.
Protein change: p.Asp672Gly; replaces aspartic acid 672 with glycine.
Molecular consequence: missense variant.
Genome position (GRCh38, 1-based): chr9:13,190,253, T>C on the plus strand (A>G on the coding strand, the complement: MPDZ is on the minus strand). VCF-style: chr9-13190253-T-C. GRCh37 (hg19) VCF-style: chr9-13190252-T-C.
Other names: c.2015A>G, p.Asp672Gly (NM_001261406.2, NM_001261407.2, NM_001330637.2 and 14 more transcripts); short protein forms D672G.
Identifiers: ClinVar variation 1519013 (VCV001519013.5), dbSNP rs546388746, ClinGen allele CA372938740.